The following is an entry in ClinVar:

NM_012123.4(MTO1):c.639A>C (p.Leu213Phe)

Gene: MTO1 (mitochondrial tRNA translation optimization 1; plus strand). Cytogenetic location: 6q13.
Variant type: single nucleotide variant.
Coding change: c.639A>C on transcript NM_012123.4 (MANE Select); coding-DNA position 639, A replaced by C.
Protein change: p.Leu213Phe; replaces leucine 213 with phenylalanine.
Molecular consequence: missense variant.
Genome position (GRCh38, 1-based): chr6:73,473,468, A>C. VCF-style: chr6-73473468-A-C. GRCh37 (hg19) VCF-style: chr6-74183191-A-C.
Other names: c.639A>C, p.Leu213Phe (NM_001123226.2, NM_133645.3); short protein forms L213F.
Identifiers: ClinVar variation 1962990 (VCV001962990.5), dbSNP rs758695510, ClinGen allele CA364713589.

ClinVar aggregate classification (germline): Uncertain significance (1 of 4 stars; one submission).

Conditions:
Mitochondrial hypertrophic cardiomyopathy with lactic acidosis due to MTO1 deficiency. Also called: Combined oxidative phosphorylation deficiency 10; CARDIOMYOPATHY, INFANTILE HYPERTROPHIC MITOCHONDRIAL, AND LACTIC ACIDOSIS. Identifiers: Orphanet 314637, MedGen C4749921, MONDO:0013865, OMIM 614702.

Submission:

Labcorp Genetics (formerly Invitae), Labcorp
Classification: Uncertain significance for Mitochondrial hypertrophic cardiomyopathy with lactic acidosis due to MTO1 deficiency. Last evaluated: 2022-07-25. Review status: criteria provided, single submitter. Criteria: Invitae Variant Classification Sherloc (09022015). Collection method: clinical testing. Allele origin: germline.
Comment: In summary, the available evidence is currently insufficient to determine the role of this variant in disease. Therefore, it has been classified as a Variant of Uncertain Significance. Algorithms developed to predict the effect of missense changes on protein structure and function are either unavailable or do not agree on the potential impact of this missense change (SIFT: "Tolerated"; PolyPhen-2: "Possibly Damaging"; Align-GVGD: "Class C0"). This variant has not been reported in the literature in individuals affected with MTO1-related conditions. This variant is not present in population databases (gnomAD no frequency). This sequence change replaces leucine, which is neutral and non-polar, with phenylalanine, which is neutral and non-polar, at codon 213 of the MTO1 protein (p.Leu213Phe).